The following is an entry in ClinVar:

ClinVar aggregate classification (germline): Pathogenic (1 of 4 stars; one submission).

Submission:

Labcorp Genetics (formerly Invitae), Labcorp
Classification: Pathogenic. Last evaluated: 2023-02-25. Review status: criteria provided, single submitter. Criteria: Invitae Variant Classification Sherloc (09022015). Collection method: clinical testing. Allele origin: germline.
Comment: For these reasons, this variant has been classified as Pathogenic. Algorithms developed to predict the effect of sequence changes on RNA splicing suggest that this variant may disrupt the consensus splice site. This variant has not been reported in the literature in individuals affected with SLC26A3-related conditions. This variant is not present in population databases (gnomAD no frequency). This sequence change creates a premature translational stop signal (p.Gln8Leufs*14) in the SLC26A3 gene. It is expected to result in an absent or disrupted protein product. Loss-of-function variants in SLC26A3 are known to be pathogenic (PMID: 9718329, 21394828).

Literature cited by the submitters: PubMed 9718329; PubMed 21394828.

NM_000111.3(SLC26A3):c.23_24del (p.Gln8fs)

Gene: SLC26A3 (solute carrier family 26 member 3; minus strand). Cytogenetic location: 7q22.3.
Variant type: Deletion.
Coding change: c.23_24del on transcript NM_000111.3 (MANE Select); coding-DNA positions 23 to 24, 2 bases deleted (AG; older notation c.23_24delAG).
Protein change: p.Gln8fs; shifts the reading frame from glutamine 8.
Molecular consequence: frameshift variant.
Genome position (GRCh38, 1-based): chr7:107,794,486-107,794,487, CT deleted on the plus strand (AG on the coding strand, the reverse complement: SLC26A3 is on the minus strand). VCF-style (leftmost placement, unchanged base first): chr7-107794485-ACT-A. GRCh37 (hg19) VCF-style: chr7-107434930-ACT-A.
Other names: short protein forms Q8fs.
Identifiers: ClinVar variation 2784196 (VCV002784196.3), dbSNP rs2535478160, ClinGen allele CA2739278285.